The following is an entry in ClinVar:

NM_001267550.2(TTN):c.106379T>C (p.Ile35460Thr)

Genes: TTN (titin; minus strand), TTN-AS1 (TTN antisense RNA 1; plus strand). Cytogenetic location: 2q31.2.
Variant type: single nucleotide variant.
Coding change: c.106379T>C on transcript NM_001267550.2 (MANE Select); coding-DNA position 106379, T replaced by C.
Protein change: p.Ile35460Thr; replaces isoleucine 35460 with threonine.
Molecular consequence: missense variant.
Genome position (GRCh38, 1-based): chr2:178,530,112, A>G on the plus strand (T>C on the coding strand, the complement: TTN is on the minus strand). VCF-style: chr2-178530112-A-G. GRCh37 (hg19) VCF-style: chr2-179394839-A-G.
Other names: c.101456T>C, p.Ile33819Thr (NM_001256850.1); c.79184T>C, p.Ile26395Thr (NM_003319.4); c.98675T>C, p.Ile32892Thr (NM_133378.4); c.79559T>C, p.Ile26520Thr (NM_133432.3); c.79760T>C, p.Ile26587Thr (NM_133437.4); short protein forms I35460T, I26520T, I26395T, I26587T, I33819T, I32892T.
Identifiers: ClinVar variation 535017 (VCV000535017.7), dbSNP rs1398739704, ClinGen allele CA349405624.

ClinVar aggregate classification (germline): Uncertain significance (1 of 4 stars; one submission).

Conditions:
Autosomal recessive limb-girdle muscular dystrophy type 2J (LGMDR10). Also called: Limb-girdle muscular dystrophy, type 2J; MUSCULAR DYSTROPHY, LIMB-GIRDLE, AUTOSOMAL RECESSIVE 10. Identifiers: Orphanet 140922, MedGen C1837342, MONDO:0012127, OMIM 608807.
Dilated cardiomyopathy 1G (CMD1G). Identifiers: Orphanet 154, MedGen C1858763, MONDO:0011400, OMIM 604145.

Allele frequency attached by ClinVar (database versions not stated): gnomAD exomes below 0.00001; gnomAD 0.00001; TOPMed 0.00001.
gnomAD v4.1: 9 of 1,596,094 alleles (0.00056%); highest among the groups gnomAD compares: Non-Finnish European, 0.00068%; no homozygotes.

Submission:

Labcorp Genetics (formerly Invitae), Labcorp
Classification: Uncertain significance for Dilated cardiomyopathy 1G; Autosomal recessive limb-girdle muscular dystrophy type 2J. Last evaluated: 2025-08-11. Review status: criteria provided, single submitter. Criteria: Invitae Variant Classification Sherloc (09022015). Collection method: clinical testing. Allele origin: germline.
Comment: This sequence change replaces isoleucine, which is neutral and non-polar, with threonine, which is neutral and polar, at codon 35460 of the TTN protein (p.Ile35460Thr). This variant is present in population databases (no rsID available, gnomAD 0.007%). This variant has not been reported in the literature in individuals affected with TTN-related conditions. ClinVar contains an entry for this variant (Variation ID: 535017). Experimental studies and prediction algorithms are not available or were not evaluated, and the functional significance of this variant is currently unknown. This variant is located in the M band of TTN (PMID: 25589632). Non-truncating variants in this region may be relevant for neuromuscular disorders, but have not been definitively shown to cause cardiomyopathy (PMID: 23975875). In summary, the available evidence is currently insufficient to determine the role of this variant in disease. Therefore, it has been classified as a Variant of Uncertain Significance.

Literature cited by the submitters: PubMed 25589632; PubMed 23975875.